The following is an entry in ClinVar:

NM_002524.5(NRAS):c.334G>T (p.Val112Leu)

Gene: NRAS (NRAS proto-oncogene, GTPase; minus strand). Cytogenetic location: 1p13.2.
Variant type: single nucleotide variant.
Coding change: c.334G>T on transcript NM_002524.5 (MANE Select); coding-DNA position 334, G replaced by T.
Protein change: p.Val112Leu; replaces valine 112 with leucine.
Molecular consequence: missense variant.
Genome position (GRCh38, 1-based): chr1:114,709,685, C>A on the plus strand (G>T on the coding strand, the complement: NRAS is on the minus strand). VCF-style: chr1-114709685-C-A. GRCh37 (hg19) VCF-style: chr1-115252306-C-A.
Other names: p.V112L:GTG>TTG; c.334G>T (LRG_92t1); short protein forms V112L.
Identifiers: ClinVar variation 40475 (VCV000040475.5), dbSNP rs730880968, ClinGen allele CA297033.
Genomic context (GRCh38, chr1:114,709,685, plus strand): 5'-CGTGGGCTTGTTTTGTATCAACTGTCCTTGTTGGCAAATCACACTTGTTTCCCACTAGCA[C>A]CATAGGTACATCATCCGAGTCTTTTACTCGCTTAATCTGCTCCCTAAAAACGGGAATATA-3'
Protein context (NP_002515.1, residues 102-122): RVKDSDDVPM[Val112Leu]LVGNKCDLPT

ClinVar aggregate classification (germline): Uncertain significance. Review status: criteria provided, multiple submitters, no conflicts (2 of 4 stars). 2 submissions from 2 submitters: Uncertain significance (2). Last evaluated 2023-01-12.

Conditions:
RASopathy. Also called: rasopathies; Noonan spectrum disorder. Identifiers: Orphanet 536391, MedGen C5555857, MONDO:0021060.

Submissions (2):

Labcorp Genetics (formerly Invitae), Labcorp
Classification: Uncertain significance for RASopathy. Last evaluated: 2023-01-12. Review status: criteria provided, single submitter. Criteria: Invitae Variant Classification Sherloc (09022015). Collection method: clinical testing. Allele origin: germline.
Comment: ClinVar contains an entry for this variant (Variation ID: 40475). In summary, the available evidence is currently insufficient to determine the role of this variant in disease. Therefore, it has been classified as a Variant of Uncertain Significance. Algorithms developed to predict the effect of missense changes on protein structure and function are either unavailable or do not agree on the potential impact of this missense change (SIFT: "Deleterious"; PolyPhen-2: "Benign"; Align-GVGD: "Class C25"). This variant has not been reported in the literature in individuals affected with NRAS-related conditions. This variant is not present in population databases (gnomAD no frequency). This sequence change replaces valine, which is neutral and non-polar, with leucine, which is neutral and non-polar, at codon 112 of the NRAS protein (p.Val112Leu).

GeneDx
Classification: Uncertain significance. Last evaluated: 2012-01-03. Review status: criteria provided, single submitter. Criteria: GeneDx Variant Classification (06012015). Collection method: clinical testing. Allele origin: germline. Affected: yes.
Comment: This variant is denoted c.334 G>T at the cDNA level or p.Val112Leu (V112L) at the protein level. The V112L missense substitution has not been published as a mutation, nor has it been reported as a benign polymorphism to our knowledge. This missense change is a conservative amino acid substitution with a neutral and non-polar residue (Val) being replaced by another residue with these same properties (Leu). The V112L missense change alters an amino acid residue that is conserved across species, but this substitution does occur in related proteins. The variant is found in NOONAN panel(s).